The following is an entry in ClinVar:

NM_001365951.3(KIF1B):c.4861G>A (p.Glu1621Lys)

Gene: KIF1B (kinesin family member 1B; plus strand). Cytogenetic location: 1p36.22.
Variant type: single nucleotide variant.
Coding change: c.4861G>A on transcript NM_001365951.3 (MANE Select); coding-DNA position 4861, G replaced by A.
Protein change: p.Glu1621Lys; replaces glutamic acid 1621 with lysine.
Molecular consequence: missense variant.
Genome position (GRCh38, 1-based): chr1:10,371,177, G>A. VCF-style: chr1-10371177-G-A. GRCh37 (hg19) VCF-style: chr1-10431235-G-A.
Other names: c.4861G>A, p.Glu1621Lys (NM_001365952.1); c.4723G>A, p.Glu1575Lys (NM_015074.3); short protein forms E1575K, E1621K.
Identifiers: ClinVar variation 2563591 (VCV002563591.2), dbSNP rs1196747126, ClinGen allele CA338327404.

ClinVar aggregate classification (germline): Uncertain significance (1 of 4 stars; one submission).

Allele frequency attached by ClinVar (database versions not stated): gnomAD exomes below 0.00001.
gnomAD v4.1: 1 of 1,614,078 alleles (0.000062%); highest among the groups gnomAD compares: Non-Finnish European, 0.000085%; no homozygotes.

Submission:

Ambry Genetics
Classification: Uncertain significance. Last evaluated: 2023-03-22. Review status: criteria provided, single submitter. Criteria: Ambry Variant Classification Scheme 2023. Collection method: clinical testing. Allele origin: germline.
Comment: The p.E1575K variant (also known as c.4723G>A), located in coding exon 42 of the KIF1B gene, results from a G to A substitution at nucleotide position 4723. The glutamic acid at codon 1575 is replaced by lysine, an amino acid with similar properties. This amino acid position is conserved. In addition, this alteration is predicted to be tolerated by in silico analysis. Since supporting evidence is limited at this time, the clinical significance of this alteration remains unclear.